The following is an entry in ClinVar:

ClinVar aggregate classification (germline): Uncertain significance (1 of 4 stars; one submission).

Conditions:
Oligodontia-cancer predisposition syndrome. Also called: TOOTH AGENESIS-COLORECTAL CANCER SYNDROME. Identifiers: Orphanet 300576, MedGen C1837750, MONDO:0012075, OMIM 608615. Disease mechanism: loss of function.

Submission:

Labcorp Genetics (formerly Invitae), Labcorp
Classification: Uncertain significance for Oligodontia-cancer predisposition syndrome. Last evaluated: 2024-11-06. Review status: criteria provided, single submitter. Criteria: Invitae Variant Classification Sherloc (09022015). Collection method: clinical testing. Allele origin: germline.
Comment: This sequence change replaces glycine, which is neutral and non-polar, with valine, which is neutral and non-polar, at codon 249 of the AXIN2 protein (p.Gly249Val). This variant is not present in population databases (gnomAD no frequency). This variant has not been reported in the literature in individuals affected with AXIN2-related conditions. Invitae Evidence Modeling of protein sequence and biophysical properties (such as structural, functional, and spatial information, amino acid conservation, physicochemical variation, residue mobility, and thermodynamic stability) has been performed for this missense variant. However, the output from this modeling did not meet the statistical confidence thresholds required to predict the impact of this variant on AXIN2 protein function. In summary, the available evidence is currently insufficient to determine the role of this variant in disease. Therefore, it has been classified as a Variant of Uncertain Significance.

NM_004655.4(AXIN2):c.746G>T (p.Gly249Val)

Gene: AXIN2 (axin 2; minus strand). Cytogenetic location: 17q24.1.
Variant type: single nucleotide variant.
Coding change: c.746G>T on transcript NM_004655.4 (MANE Select); coding-DNA position 746, G replaced by T.
Protein change: p.Gly249Val; replaces glycine 249 with valine.
Molecular consequence: missense variant.
Genome position (GRCh38, 1-based): chr17:65,557,875, C>A on the plus strand (G>T on the coding strand, the complement: AXIN2 is on the minus strand). VCF-style: chr17-65557875-C-A. GRCh37 (hg19) VCF-style: chr17-63553993-C-A.
Other names: c.746G>T, p.Gly249Val (NM_001363813.1); short protein forms G249V.
Identifiers: ClinVar variation 3707613 (VCV003707613.2).